The following is an entry in ClinVar:

ClinVar aggregate classification (germline): Uncertain significance. Review status: criteria provided, multiple submitters, no conflicts (2 of 4 stars). 2 submissions from 2 submitters: Uncertain significance (2). Last evaluated 2026-01-21.

Conditions:
Inborn genetic diseases. Identifiers: MedGen C0950123, MeSH D030342.

Allele frequency attached by ClinVar (database versions not stated): gnomAD exomes below 0.00001; TOPMed below 0.00001.

Submissions (2):

Labcorp Genetics (formerly Invitae), Labcorp
Classification: Uncertain significance. Last evaluated: 2026-01-21. Review status: criteria provided, single submitter. Criteria: Invitae Variant Classification Sherloc (09022015). Collection method: clinical testing. Allele origin: germline.
Comment: This sequence change replaces asparagine, which is neutral and polar, with serine, which is neutral and polar, at codon 307 of the CFP protein (p.Asn307Ser). This variant is present in population databases (no rsID available, gnomAD 0.004%). This variant has not been reported in the literature in individuals affected with CFP-related conditions. ClinVar contains an entry for this variant (Variation ID: 3143843). Invitae Evidence Modeling of protein sequence and biophysical properties (such as structural, functional, and spatial information, amino acid conservation, physicochemical variation, residue mobility, and thermodynamic stability) indicates that this missense variant is not expected to disrupt CFP protein function with a negative predictive value of 80%. In summary, the available evidence is currently insufficient to determine the role of this variant in disease. Therefore, it has been classified as a Variant of Uncertain Significance.

Ambry Genetics
Classification: Uncertain significance for Inborn genetic diseases. Last evaluated: 2024-03-04. Review status: criteria provided, single submitter. Criteria: Ambry Variant Classification Scheme 2023. Collection method: clinical testing. Allele origin: germline.

NM_001145252.3(CFP):c.920A>G (p.Asn307Ser)

Gene: CFP (complement factor properdin; minus strand). Cytogenetic location: Xp11.23.
Variant type: single nucleotide variant.
Coding change: c.920A>G on transcript NM_001145252.3 (MANE Select); coding-DNA position 920, A replaced by G.
Protein change: p.Asn307Ser; replaces asparagine 307 with serine.
Molecular consequence: missense variant.
Genome position (GRCh38, 1-based): chrX:47,626,793, T>C on the plus strand (A>G on the coding strand, the complement: CFP is on the minus strand). VCF-style: chrX-47626793-T-C. GRCh37 (hg19) VCF-style: chrX-47486192-T-C.
Other names: c.920A>G, p.Asn307Ser (NM_002621.2); short protein forms N307S.
Identifiers: ClinVar variation 3143843 (VCV003143843.2), dbSNP rs1362652835, ClinGen allele CA412837149.